The following is an entry in ClinVar:

ClinVar aggregate classification (germline): Pathogenic (1 of 4 stars; one submission).

Submission:

Labcorp Genetics (formerly Invitae), Labcorp
Classification: Pathogenic. Last evaluated: 2023-05-02. Review status: criteria provided, single submitter. Criteria: Invitae Variant Classification Sherloc (09022015). Collection method: clinical testing. Allele origin: germline.
Comment: For these reasons, this variant has been classified as Pathogenic. Algorithms developed to predict the effect of sequence changes on RNA splicing suggest that this variant may disrupt the consensus splice site. This variant has not been reported in the literature in individuals affected with OTOF-related conditions. This variant is not present in population databases (gnomAD no frequency). This sequence change creates a premature translational stop signal (p.Thr332Leufs*26) in the OTOF gene. It is expected to result in an absent or disrupted protein product. Loss-of-function variants in OTOF are known to be pathogenic (PMID: 18381613, 19250381, 22575033).

Literature cited by the submitters: PubMed 18381613; PubMed 19250381; PubMed 22575033.

NM_194248.3(OTOF):c.993_1003del (p.Thr332fs)

Gene: OTOF (otoferlin; minus strand). Cytogenetic location: 2p23.3.
Variant type: Deletion.
Coding change: c.993_1003del on transcript NM_194248.3 (MANE Select); coding-DNA positions 993 to 1003, 11 bases deleted (CACCCTGGTGG).
Protein change: p.Thr332fs; shifts the reading frame from threonine 332.
Molecular consequence: frameshift variant.
Genome position (GRCh38, 1-based): chr2:26,489,253-26,489,263, CCACCAGGGTG deleted on the plus strand (CACCCTGGTGG on the coding strand, the reverse complement: OTOF is on the minus strand); deleting any 11 consecutive bases within chr2:26,489,253-26,489,267 gives the same sequence; the c. name uses the placement nearest the transcript's 3' end. VCF-style (leftmost placement, unchanged base first): chr2-26489252-CCCACCAGGGTG-C. GRCh37 (hg19) VCF-style: chr2-26712120-CCCACCAGGGTG-C.
Other names: c.993_1003del, p.Thr332fs (NM_001287489.2); short protein forms T332fs.
Identifiers: ClinVar variation 2834792 (VCV002834792.3), dbSNP rs2465289706, ClinGen allele CA2658240521.